The following is an entry in ClinVar:

ClinVar aggregate classification (germline): Uncertain significance (1 of 4 stars; one submission).

Conditions:
Combined immunodeficiency due to ZAP70 deficiency (IMD48). Also called: Immunodeficiency 48; ZAP70 Deficiency. Identifiers: Orphanet 911, MedGen C2931299, MONDO:0010023, OMIM 269840.

Submission:

Labcorp Genetics (formerly Invitae), Labcorp
Classification: Uncertain significance for Combined immunodeficiency due to ZAP70 deficiency. Last evaluated: 2023-11-27. Review status: criteria provided, single submitter. Criteria: Invitae Variant Classification Sherloc (09022015). Collection method: clinical testing. Allele origin: germline.
Comment: This sequence change replaces phenylalanine, which is neutral and non-polar, with serine, which is neutral and polar, at codon 586 of the ZAP70 protein (p.Phe586Ser). This variant is not present in population databases (gnomAD no frequency). This variant has not been reported in the literature in individuals affected with ZAP70-related conditions. ClinVar contains an entry for this variant (Variation ID: 569200). An algorithm developed to predict the effect of missense changes on protein structure and function (PolyPhen-2) suggests that this variant is likely to be disruptive. In summary, the available evidence is currently insufficient to determine the role of this variant in disease. Therefore, it has been classified as a Variant of Uncertain Significance.

NM_001079.4(ZAP70):c.1757T>C (p.Phe586Ser)

Gene: ZAP70 (zeta chain of T cell receptor associated protein kinase 70; plus strand). Cytogenetic location: 2q11.2.
Variant type: single nucleotide variant.
Coding change: c.1757T>C on transcript NM_001079.4 (MANE Select); coding-DNA position 1757, T replaced by C.
Protein change: p.Phe586Ser; replaces phenylalanine 586 with serine.
Molecular consequence: missense variant.
Genome position (GRCh38, 1-based): chr2:97,739,395, T>C. VCF-style: chr2-97739395-T-C. GRCh37 (hg19) VCF-style: chr2-98355858-T-C.
Other names: c.1757T>C, p.Phe586Ser (NM_001378594.1); c.836T>C, p.Phe279Ser (NM_207519.2); short protein forms F586S, F279S.
Identifiers: ClinVar variation 569200 (VCV000569200.7), dbSNP rs1559330813, ClinGen allele CA347806303.